The following is an entry in ClinVar:

ClinVar aggregate classification (germline): Uncertain significance (1 of 4 stars; one submission).

Submission:

Laboratory for Molecular Medicine, Mass General Brigham Personalized Medicine
Classification: Uncertain significance. Last evaluated: 2017-05-18. Review status: criteria provided, single submitter. Criteria: LMM Criteria. Collection method: clinical testing. Allele origin: germline. Observed: 1 variant allele.
Comment: The p.Pro1366Thr variant in OTOG has not been previously reported in individuals with hearing loss or in large population studies. Computational prediction tool s and conservation analysis do not provide strong support for or against an impa ct to the protein. In summary, the clinical significance of the p.Pro1366Thr var iant is uncertain.

NM_001292063.2(OTOG):c.4060C>A (p.Pro1354Thr)

Gene: OTOG (otogelin; plus strand). Cytogenetic location: 11p15.1.
Variant type: single nucleotide variant.
Coding change: c.4060C>A on transcript NM_001292063.2 (MANE Select); coding-DNA position 4060, C replaced by A.
Protein change: p.Pro1354Thr; replaces proline 1354 with threonine.
Molecular consequence: missense variant.
Genome position (GRCh38, 1-based): chr11:17,606,039, C>A. VCF-style: chr11-17606039-C-A. GRCh37 (hg19) VCF-style: chr11-17627586-C-A.
Other names: c.4096C>A, p.Pro1366Thr (NM_001277269.2); short protein forms P1366T, P1354T.
Identifiers: ClinVar variation 505776 (VCV000505776.5), dbSNP rs1554974319, ClinGen allele CA379792441.